The following is an entry in ClinVar:

ClinVar aggregate classification (germline): Uncertain significance (1 of 4 stars; one submission).

Conditions:
PLXNA2-related disorder. Also called: PLXNA2-related condition.

Submission:

PreventionGenetics, part of Exact Sciences
Classification: Uncertain significance for PLXNA2-related condition. Last evaluated: 2025-05-18. Review status: criteria provided, single submitter. Criteria: ACMG Guidelines, 2015. Collection method: clinical testing. Allele origin: germline.
Comment: The PLXNA2 c.3314A>T variant is predicted to result in the amino acid substitution p.Asp1105Val. To our knowledge, this variant has not been reported in the literature or in a large population database (gnomAD), indicating this variant is rare. At this time, the clinical significance of this variant is uncertain due to the absence of conclusive functional and genetic evidence.

NM_025179.4(PLXNA2):c.3314A>T (p.Asp1105Val)

Gene: PLXNA2 (plexin A2; minus strand). Cytogenetic location: 1q32.2.
Variant type: single nucleotide variant.
Coding change: c.3314A>T on transcript NM_025179.4 (MANE Select); coding-DNA position 3314, A replaced by T.
Protein change: p.Asp1105Val; replaces aspartic acid 1105 with valine.
Molecular consequence: missense variant.
Genome position (GRCh38, 1-based): chr1:208,046,059, T>A on the plus strand (A>T on the coding strand, the complement: PLXNA2 is on the minus strand). VCF-style: chr1-208046059-T-A. GRCh37 (hg19) VCF-style: chr1-208219404-T-A.
Other names: short protein forms D1105V.
Identifiers: ClinVar variation 5000734 (VCV005000734.1).